The following is an entry in ClinVar:

ClinVar aggregate classification (germline): Pathogenic (1 of 4 stars; one submission).

Conditions:
Glycogen storage disease IXd (GSD9D). Also called: Muscle Phosphorylase Kinase Deficiency; GSD IXd. Identifiers: Orphanet 715, MedGen C1845151, MONDO:0010362, OMIM 300559.

Allele frequency attached by ClinVar (database versions not stated): ExAC 0.00001; TOPMed 0.00001; gnomAD 0.00002; 1000 Genomes Project 30x 0.00021; 1000 Genomes Project 0.00026.
gnomAD v4.1: 10 of 1,203,505 alleles (0.00083%); highest among the groups gnomAD compares: Admixed American, 0.0044%; no homozygotes.

Submission:

Labcorp Genetics (formerly Invitae), Labcorp
Classification: Pathogenic for Glycogen storage disease IXd. Last evaluated: 2023-09-09. Review status: criteria provided, single submitter. Criteria: Invitae Variant Classification Sherloc (09022015). Collection method: clinical testing. Allele origin: germline.
Comment: This sequence change creates a premature translational stop signal (p.Arg919*) in the PHKA1 gene. It is expected to result in an absent or disrupted protein product. Loss-of-function variants in PHKA1 are known to be pathogenic (PMID: 9731190, 15637709). This variant is present in population databases (rs782528591, gnomAD 0.004%). This variant has not been reported in the literature in individuals affected with PHKA1-related conditions. Algorithms developed to predict the effect of sequence changes on RNA splicing suggest that this variant may disrupt the consensus splice site. For these reasons, this variant has been classified as Pathogenic.

Literature cited by the submitters: PubMed 9731190; PubMed 15637709.

NM_002637.4(PHKA1):c.2755C>T (p.Arg919Ter)

Gene: PHKA1 (phosphorylase kinase regulatory subunit alpha 1; minus strand). Cytogenetic location: Xq13.1.
Variant type: single nucleotide variant.
Coding change: c.2755C>T on transcript NM_002637.4 (MANE Select); coding-DNA position 2755, C replaced by T.
Protein change: p.Arg919Ter; replaces arginine 919 with a stop codon.
Molecular consequence: nonsense.
Genome position (GRCh38, 1-based): chrX:72,605,331, G>A on the plus strand (C>T on the coding strand, the complement: PHKA1 is on the minus strand). VCF-style: chrX-72605331-G-A. GRCh37 (hg19) VCF-style: chrX-71825181-G-A.
Other names: c.2755C>T, p.Arg919Ter (NM_001122670.2); c.2578C>T, p.Arg860Ter (NM_001172436.2); short protein forms R860*, R919*.
Identifiers: ClinVar variation 2879436 (VCV002879436.3), dbSNP rs782528591, ClinGen allele CA10450620.